The following is an entry in ClinVar:

NM_000179.3(MSH6):c.3444del (p.Leu1149fs)

Gene: MSH6 (mutS homolog 6; plus strand). Cytogenetic location: 2p16.3.
Variant type: Deletion.
Coding change: c.3444del on transcript NM_000179.3 (MANE Select); coding-DNA position 3444, one base deleted (C; older notation c.3444delC).
Protein change: p.Leu1149fs; shifts the reading frame from leucine 1149.
Molecular consequence: frameshift variant. On other transcripts: non-coding transcript variant (4).
Genome position (GRCh38, 1-based): chr2:47,804,915, C deleted. VCF-style (leftmost placement, unchanged base first): chr2-47804914-GC-G. GRCh37 (hg19) VCF-style: chr2-48032053-GC-G.
Other names: c.3054del, p.Leu1019fs (NM_001281492.2); c.2538del, p.Leu847fs (NM_001281493.2, NM_001281494.2, NM_001406811.1 and 6 more transcripts); c.3147del, p.Leu1050fs (NM_001406805.1, NM_001406818.1, NM_001406819.1 and 10 more transcripts); c.2919del, p.Leu974fs (NM_001406806.1, NM_001406807.1, NM_001406799.1); c.3444del, p.Leu1149fs (NM_001406808.1, NM_001406809.1, NM_001406796.1 and 1 more transcripts); c.3450del, p.Leu1151fs (NM_001406813.1); c.1878del, p.Leu627fs (NM_001406817.1); c.3276del, p.Leu1093fs (NM_001406826.1); and 7 more; short protein forms L1050fs, L627fs, L974fs, L1093fs, L464fs, L847fs, L1019fs, L1091fs.
Identifiers: ClinVar variation 3675159 (VCV003675159.2).

ClinVar aggregate classification (germline): Pathogenic (1 of 4 stars; one submission).

Conditions:
Hereditary nonpolyposis colorectal neoplasms. Identifiers: MedGen C0009405, MeSH D003123.

Submission:

Labcorp Genetics (formerly Invitae), Labcorp
Classification: Pathogenic for Hereditary nonpolyposis colorectal neoplasms. Last evaluated: 2024-10-09. Review status: criteria provided, single submitter. Criteria: Invitae Variant Classification Sherloc (09022015). Collection method: clinical testing. Allele origin: germline.
Comment: This sequence change creates a premature translational stop signal (p.Leu1149Tyrfs*2) in the MSH6 gene. It is expected to result in an absent or disrupted protein product. Loss-of-function variants in MSH6 are known to be pathogenic (PMID: 18269114, 24362816). This variant is not present in population databases (gnomAD no frequency). This variant has not been reported in the literature in individuals affected with MSH6-related conditions. For these reasons, this variant has been classified as Pathogenic.

Literature cited by the submitters: PubMed 18269114; PubMed 24362816.